The following is an entry in ClinVar:

ClinVar aggregate classification (germline): Uncertain significance (1 of 4 stars; one submission).

Conditions:
Familial sleep-related hypermotor epilepsy. Also called: Autosomal Dominant Sleep-Related Hypermotor (Hyperkinetic) Epilepsy. Identifiers: Orphanet 98784, MedGen C3696898, MONDO:0000030.

Submission:

Labcorp Genetics (formerly Invitae), Labcorp
Classification: Uncertain significance. Last evaluated: 2020-10-22. Review status: criteria provided, single submitter. Criteria: Invitae Variant Classification Sherloc (09022015). Collection method: clinical testing. Allele origin: germline.
Comment: This sequence change replaces leucine with serine at codon 185 of the CHRNB2 protein (p.Leu185Ser). The leucine residue is highly conserved and there is a large physicochemical difference between leucine and serine. This variant is not present in population databases (ExAC no frequency). This variant has not been reported in the literature in individuals with CHRNB2-related conditions. Advanced modeling of protein sequence and biophysical properties (such as structural, functional, and spatial information, amino acid conservation, physicochemical variation, residue mobility, and thermodynamic stability) performed at Invitae indicates that this missense variant is expected to disrupt CHRNB2 protein function. In summary, the available evidence is currently insufficient to determine the role of this variant in disease. Therefore, it has been classified as a Variant of Uncertain Significance.

NM_000748.3(CHRNB2):c.554T>C (p.Leu185Ser)

Gene: CHRNB2 (cholinergic receptor nicotinic beta 2 subunit; plus strand). Cytogenetic location: 1q21.3.
Variant type: single nucleotide variant.
Coding change: c.554T>C on transcript NM_000748.3 (MANE Select); coding-DNA position 554, T replaced by C.
Protein change: p.Leu185Ser; replaces leucine 185 with serine.
Molecular consequence: missense variant.
Genome position (GRCh38, 1-based): chr1:154,571,377, T>C. VCF-style: chr1-154571377-T-C. GRCh37 (hg19) VCF-style: chr1-154543853-T-C.
Other names: short protein forms L185S.
Identifiers: ClinVar variation 1043856 (VCV001043856.8), dbSNP rs1696161618, ClinGen allele CA342630307.